The following is an entry in ClinVar:

ClinVar aggregate classification (germline): Uncertain significance (1 of 4 stars; one submission).

Allele frequency attached by ClinVar (database versions not stated): gnomAD exomes 0.00003; TOPMed 0.00006; gnomAD 0.00007; ExAC 0.00008; 1000 Genomes Project 30x 0.00031; 1000 Genomes Project 0.00040.
gnomAD v4.1: 57 of 1,608,864 alleles (0.0035%); highest among the groups gnomAD compares: East Asian, 0.058%; no homozygotes.

Submission:

Labcorp Genetics (formerly Invitae), Labcorp
Classification: Uncertain significance. Last evaluated: 2025-06-24. Review status: criteria provided, single submitter. Criteria: Invitae Variant Classification Sherloc (09022015). Collection method: clinical testing. Allele origin: germline.
Comment: This sequence change replaces isoleucine, which is neutral and non-polar, with valine, which is neutral and non-polar, at codon 1342 of the DSCAML1 protein (p.Ile1342Val). This variant is present in population databases (rs199982180, gnomAD 0.06%), and has an allele count higher than expected for a pathogenic variant. This variant has not been reported in the literature in individuals affected with DSCAML1-related conditions. ClinVar contains an entry for this variant (Variation ID: 2181573). An algorithm developed to predict the effect of missense changes on protein structure and function outputs the following: PolyPhen-2: "Benign". The valine amino acid residue is found in multiple mammalian species, which suggests that this missense change does not adversely affect protein function. In summary, the available evidence is currently insufficient to determine the role of this variant in disease. Therefore, it has been classified as a Variant of Uncertain Significance.

NM_020693.4(DSCAML1):c.3844A>G (p.Ile1282Val)

Gene: DSCAML1 (DS cell adhesion molecule like 1; minus strand). Cytogenetic location: 11q23.3.
Variant type: single nucleotide variant.
Coding change: c.3844A>G on transcript NM_020693.4 (MANE Select); coding-DNA position 3844, A replaced by G.
Protein change: p.Ile1282Val; replaces isoleucine 1282 with valine.
Molecular consequence: missense variant.
Genome position (GRCh38, 1-based): chr11:117,443,904, T>C on the plus strand (A>G on the coding strand, the complement: DSCAML1 is on the minus strand). VCF-style: chr11-117443904-T-C. GRCh37 (hg19) VCF-style: chr11-117314620-T-C.
Other names: short protein forms I1282V.
Identifiers: ClinVar variation 2181573 (VCV002181573.4), dbSNP rs199982180, ClinGen allele CA6296574.
Genomic context (GRCh38, chr11:117,443,904, plus strand): 5'-TTGGAAGTGTTTGCCCCTCTGCCACAGCCTCAGGCTTCTCACCCTTGCCAGCAGGCTCGA[T>C]GGTCACCTTCTCGCTGCTGTTGCCCCGGCCGGCAGAGGTGACGGCGGCCACCCACAGCAG-3'
Protein context (NP_065744.3, residues 1272-1292): GRGNSSEKVT[Ile1282Val]EPAGKAPAKI